The following is an entry in ClinVar:

ClinVar aggregate classification (germline): Benign/Likely benign. Review status: criteria provided, multiple submitters, no conflicts (2 of 4 stars). 6 submissions from 6 submitters: Benign (5); Likely benign (1). Last evaluated 2026-02-04.

Allele frequency attached by ClinVar (database versions not stated): ESP Exome Variant Server 0.16062; 1000 Genomes Project 0.16374; 1000 Genomes Project 30x 0.16427; gnomAD 0.17227 and 0.17418; TOPMed 0.17714; ExAC 0.18015.
gnomAD v4.1: 283,797 of 1,612,952 alleles (18%); highest among the groups gnomAD compares: Admixed American, 25%; 25,633 homozygotes.

Submissions (6):

Labcorp Genetics (formerly Invitae), Labcorp
Classification: Benign. Last evaluated: 2026-02-04. Review status: criteria provided, single submitter. Criteria: Invitae Variant Classification Sherloc (09022015). Collection method: clinical testing. Allele origin: germline.

Blueprint Genetics
Classification: Likely benign. Last evaluated: 2024-11-28. Review status: criteria provided, single submitter. Criteria: ACMG Guidelines, 2015. Collection method: clinical testing. Allele origin: germline.

Mayo Clinic Laboratories, Mayo Clinic
Classification: Benign. Last evaluated: 2022-04-26. Review status: criteria provided, single submitter. Criteria: ACMG Guidelines, 2015. Collection method: clinical testing. Allele origin: germline. Observed: 77 variant alleles.

GeneDx
Classification: Benign. Last evaluated: 2021-05-04. Review status: criteria provided, single submitter. Criteria: GeneDx Variant Classification Process June 2021. Collection method: clinical testing. Allele origin: germline. Affected: yes.

Laboratory for Molecular Medicine, Mass General Brigham Personalized Medicine
Classification: Benign. Last evaluated: 2016-03-28. Review status: criteria provided, single submitter. Criteria: LMM Criteria. Collection method: clinical testing. Allele origin: germline.
Comment: Variant identified in a genome or exome case(s) and assessed due to predicted null impact of the variant or pathogenic assertions in the literature or databases. Disclaimer: This variant has not undergone full assessment. The following are preliminary notes: Frequency

Breakthrough Genomics
Classification: Benign. Review status: criteria provided, single submitter. Criteria: ACMG Guidelines, 2015. Collection method: not provided. Allele origin: germline. Inheritance: Autosomal recessive inheritance. Affected: yes.

NM_001372.4(DNAH9):c.12106-10C>T

Gene: DNAH9 (dynein axonemal heavy chain 9; plus strand). Cytogenetic location: 17p12.
Variant type: single nucleotide variant.
Coding change: c.12106-10C>T on transcript NM_001372.4 (MANE Select); 10 bases into the intron before coding-DNA position 12106, C replaced by T.
Molecular consequence: intron variant.
Genome position (GRCh38, 1-based): chr17:11,932,004, C>T. VCF-style: chr17-11932004-C-T. GRCh37 (hg19) VCF-style: chr17-11835321-C-T.
Other names: p.?; c.1042-10C>T (NM_004662.2).
Identifiers: ClinVar variation 402786 (VCV000402786.17), dbSNP rs2286305, ClinGen allele CA8398066.